The following is an entry in ClinVar:

NM_004380.3(CREBBP):c.1052G>C (p.Arg351Pro)

Gene: CREBBP (CREB binding protein; minus strand). Cytogenetic location: 16p13.3.
Variant type: single nucleotide variant.
Coding change: c.1052G>C on transcript NM_004380.3 (MANE Select); coding-DNA position 1052, G replaced by C.
Protein change: p.Arg351Pro; replaces arginine 351 with proline.
Molecular consequence: missense variant.
Genome position (GRCh38, 1-based): chr16:3,793,550, C>G on the plus strand (G>C on the coding strand, the complement: CREBBP is on the minus strand). VCF-style: chr16-3793550-C-G. GRCh37 (hg19) VCF-style: chr16-3843551-C-G.
Other names: c.1052G>C, p.Arg351Pro (NM_001079846.1); short protein forms R351P.
Identifiers: ClinVar variation 1308168 (VCV001308168.2), dbSNP rs763070109, ClinGen allele CA394563475.

ClinVar aggregate classification (germline): Uncertain significance (1 of 4 stars; one submission).

Submission:

GeneDx
Classification: Uncertain significance. Last evaluated: 2019-08-27. Review status: criteria provided, single submitter. Criteria: GeneDx Variant Classification Process June 2021. Collection method: clinical testing. Allele origin: germline. Affected: yes.
Comment: Not observed in large population cohorts (Lek et al., 2016); In silico analysis, which includes protein predictors and evolutionary conservation, supports a deleterious effect; Has not been previously published as pathogenic or benign to our knowledge